The following is an entry in ClinVar:

NC_000023.10:g.(?_77243718)_(77245474_?)del

Gene: ATP7A (ATPase copper transporting alpha; plus strand). Cytogenetic location: Xq21.1.
Variant type: Deletion.
Identifiers: ClinVar variation 1365570 (VCV001365570.8).

ClinVar aggregate classification (germline): Pathogenic (1 of 4 stars; one submission).

Conditions:
Cutis laxa, X-linked (OHS). Also called: EDS IX; Occipital horn syndrome. Identifiers: Orphanet 198, MedGen C0268353, MONDO:0010572, OMIM 304150.
X-linked distal spinal muscular atrophy type 3. Also called: ATP7A-Related Distal Motor Neuropathy; SPINAL MUSCULAR ATROPHY, DISTAL, X-LINKED RECESSIVE; NEUROPATHY, DISTAL HEREDITARY MOTOR, X-LINKED; NEURONOPATHY, DISTAL HEREDITARY MOTOR, X-LINKED. Identifiers: Orphanet 139557, MedGen C1845359, MONDO:0010338, OMIM 300489.
Menkes kinky-hair syndrome (MNK). Also called: Classic Menkes Disease; Copper transport disease; Menkes Disease. Identifiers: Orphanet 565, MedGen C0022716, MONDO:0010651, OMIM 309400.

Submission:

Labcorp Genetics (formerly Invitae), Labcorp
Classification: Pathogenic for X-linked distal spinal muscular atrophy type 3; Cutis laxa, X-linked; Menkes kinky-hair syndrome. Last evaluated: 2023-09-24. Review status: criteria provided, single submitter. Criteria: Invitae Variant Classification Sherloc (09022015). Collection method: clinical testing. Allele origin: germline.
Comment: This variant is a gross deletion of the genomic region encompassing exon(s) 3-4 of the ATP7A gene. This deletion is out-of-frame, and is expected to create a premature termination codon and result in an absent or disrupted protein product. Loss-of-function variants in ATP7A are known to be pathogenic (PMID: 11241493, 20652413). A similar copy number variant has been observed in individuals with Menkes disease (PMID: 14635105). For these reasons, this variant has been classified as Pathogenic.

Literature cited by the submitters: PubMed 11241493; PubMed 20652413; PubMed 14635105.